The following is an entry in ClinVar:

ClinVar aggregate classification (germline): Uncertain significance. Review status: criteria provided, multiple submitters, no conflicts (2 of 4 stars). 2 submissions from 2 submitters: Uncertain significance (2). Last evaluated 2024-04-10.

Conditions:
Periventricular nodular heterotopia 7 (PVNH7). Identifiers: MedGen C4310669, MONDO:0014966, OMIM 617201.

Allele frequency attached by ClinVar (database versions not stated): gnomAD exomes below 0.00001; TOPMed below 0.00001; gnomAD 0.00003.
gnomAD v4.1: 5 of 1,612,802 alleles (0.00031%); highest among the groups gnomAD compares: African/African-American, 0.0067%; no homozygotes.

Submissions (2):

Labcorp Genetics (formerly Invitae), Labcorp
Classification: Uncertain significance. Last evaluated: 2024-04-10. Review status: criteria provided, single submitter. Criteria: Invitae Variant Classification Sherloc (09022015). Collection method: clinical testing. Allele origin: germline.
Comment: This sequence change replaces asparagine, which is neutral and polar, with threonine, which is neutral and polar, at codon 606 of the NEDD4L protein (p.Asn606Thr). This variant is not present in population databases (gnomAD no frequency). This variant has not been reported in the literature in individuals affected with NEDD4L-related conditions. ClinVar contains an entry for this variant (Variation ID: 1001498). Advanced modeling of protein sequence and biophysical properties (such as structural, functional, and spatial information, amino acid conservation, physicochemical variation, residue mobility, and thermodynamic stability) performed at Invitae indicates that this missense variant is not expected to disrupt NEDD4L protein function with a negative predictive value of 80%. In summary, the available evidence is currently insufficient to determine the role of this variant in disease. Therefore, it has been classified as a Variant of Uncertain Significance.

Fulgent Genetics
Classification: Uncertain significance for Periventricular nodular heterotopia 7. Last evaluated: 2021-11-24. Review status: criteria provided, single submitter. Criteria: ACMG Guidelines, 2015. Collection method: clinical testing. Allele origin: unknown.

NM_001144967.3(NEDD4L):c.1877A>C (p.Asn626Thr)

Gene: NEDD4L (NEDD4 like E3 ubiquitin protein ligase; plus strand). Cytogenetic location: 18q21.31.
Variant type: single nucleotide variant.
Coding change: c.1877A>C on transcript NM_001144967.3 (MANE Select); coding-DNA position 1877, A replaced by C.
Protein change: p.Asn626Thr; replaces asparagine 626 with threonine.
Molecular consequence: missense variant.
Genome position (GRCh38, 1-based): chr18:58,366,042, A>C. VCF-style: chr18-58366042-A-C. GRCh37 (hg19) VCF-style: chr18-56033274-A-C.
Other names: c.1514A>C, p.Asn505Thr (NM_001144964.1, NM_001144965.2, NM_001144966.3); c.1853A>C, p.Asn618Thr (NM_001144968.2); c.1793A>C, p.Asn598Thr (NM_001144969.2); c.1454A>C, p.Asn485Thr (NM_001144970.3, NM_001144971.2); c.1685A>C, p.Asn562Thr (NM_001243960.2); c.1817A>C, p.Asn606Thr (NM_015277.6); short protein forms N485T, N505T, N562T, N598T, N606T, N618T, N626T.
Identifiers: ClinVar variation 1001498 (VCV001001498.9), dbSNP rs1008436842, ClinGen allele CA300890017.
Genomic context (GRCh38, chr18:58,366,042, plus strand): 5'-TTTTGTCTTTTGTGTAGGCTGATATCCCCAATAGGTTTGAAATGAAACTTCACAGAAATA[A>C]CATATTTGAAGAGTCCTATCGGAGAATTATGTCCGTGAAAAGACCAGATGTCCTAAAAGC-3'
Protein context (NP_001138439.1, residues 616-636): NRFEMKLHRN[Asn626Thr]IFEESYRRIM